The following is an entry in ClinVar:

ClinVar aggregate classification (germline): Likely pathogenic (0 of 4 stars; one submission).

Conditions:
KYNU-related disorder. Also called: KYNU-related condition; KYNU-related disorders.

Submission:

PreventionGenetics, part of Exact Sciences
Classification: Likely pathogenic for KYNU-related condition. Last evaluated: 2024-06-24. Review status: no assertion criteria provided. Collection method: clinical testing. Allele origin: germline.
Comment: The KYNU c.737dupA variant is predicted to result in premature protein termination (p.Tyr246*). To our knowledge, this variant has not been reported in the literature or in a large population database, indicating this variant is rare. Nonsense variants in KYNU are expected to be pathogenic. This variant is interpreted as likely pathogenic.

NM_003937.3(KYNU):c.737dup (p.Tyr246Ter)

Gene: KYNU (kynureninase; plus strand). Cytogenetic location: 2q22.2.
Variant type: Duplication.
Coding change: c.737dup on transcript NM_003937.3 (MANE Select); coding-DNA position 737, one base duplicated (A; older notation c.737dupA).
Protein change: p.Tyr246Ter; replaces tyrosine 246 with a stop codon.
Molecular consequence: nonsense.
Genome position (GRCh38, 1-based): chr2:142,985,091, A duplicated. VCF-style (leftmost placement, unchanged base first): chr2-142985090-T-TA. GRCh37 (hg19) VCF-style: chr2-143742659-T-TA.
Other names: c.737dup, p.Tyr246Ter (NM_001032998.2, NM_001199241.2); short protein forms Y246*.
Identifiers: ClinVar variation 3357978 (VCV003357978.1).